The following is an entry in ClinVar:

ClinVar aggregate classification (germline): Uncertain significance. Review status: criteria provided, multiple submitters, no conflicts (2 of 4 stars). 2 submissions from 2 submitters: Uncertain significance (2). Last evaluated 2022-11-01.

Conditions:
Cardiovascular phenotype. Identifiers: MedGen CN230736.

Submissions (2):

Ambry Genetics
Classification: Uncertain significance for Cardiovascular phenotype. Last evaluated: 2022-11-01. Review status: criteria provided, single submitter. Criteria: Ambry Variant Classification Scheme 2023. Collection method: clinical testing. Allele origin: germline.
Comment: The p.Y2923* variant (also known as c.8769T>G), located in coding exon 60 of the RYR2 gene, results from a T to G substitution at nucleotide position 8769. This changes the amino acid from a tyrosine to a stop codon within coding exon 60. This alteration is expected to result in protein truncation or nonsense-mediated mRNA decay. However, loss of function of RYR2 has not been established as a mechanism of disease. Since supporting evidence is limited at this time, the clinical significance of this alteration remains unclear.

GeneDx
Classification: Uncertain significance. Last evaluated: 2022-04-26. Review status: criteria provided, single submitter. Criteria: GeneDx Variant Classification Process June 2021. Collection method: clinical testing. Allele origin: germline. Affected: yes.
Comment: Not observed at significant frequency in large population cohorts (gnomAD); Nonsense variant predicted to result in protein truncation or nonsense mediated decay in a gene or region of a gene for which loss of function is not a well-established mechanism of disease; Has not been previously published as pathogenic or benign to our knowledge

NM_001035.3(RYR2):c.8769T>G (p.Tyr2923Ter)

Gene: RYR2 (ryanodine receptor 2; plus strand). Cytogenetic location: 1q43.
Variant type: single nucleotide variant.
Coding change: c.8769T>G on transcript NM_001035.3 (MANE Select); coding-DNA position 8769, T replaced by G.
Protein change: p.Tyr2923Ter; replaces tyrosine 2923 with a stop codon.
Molecular consequence: nonsense.
Genome position (GRCh38, 1-based): chr1:237,674,785, T>G. VCF-style: chr1-237674785-T-G. GRCh37 (hg19) VCF-style: chr1-237838085-T-G.
Other names: short protein forms Y2923*.
Identifiers: ClinVar variation 1712849 (VCV001712849.4), dbSNP rs2547218350, ClinGen allele CA345403307.